The following is an entry in ClinVar:

NM_004667.6(HERC2):c.738G>A (p.Val246=)

Gene: HERC2 (HECT and RLD domain containing E3 ubiquitin protein ligase 2; minus strand). Cytogenetic location: 15q13.1.
Variant type: single nucleotide variant.
Coding change: c.738G>A on transcript NM_004667.6 (MANE Select); coding-DNA position 738, G replaced by A.
Protein change: p.Val246=; no amino-acid change (valine 246 retained).
Molecular consequence: synonymous variant.
Genome position (GRCh38, 1-based): chr15:28,274,353, C>T on the plus strand (G>A on the coding strand, the complement: HERC2 is on the minus strand). VCF-style: chr15-28274353-C-T. GRCh37 (hg19) VCF-style: chr15-28519499-C-T.
Identifiers: ClinVar variation 5039510 (VCV005039510.1).

ClinVar aggregate classification (germline): Likely benign (1 of 4 stars; one submission).

gnomAD v4.1: 203 of 1,614,262 alleles (0.013%); highest among the groups gnomAD compares: African/African-American, 0.25%; 2 homozygotes.

Submission:

CeGaT Center for Human Genetics Tuebingen
Classification: Likely benign. Last evaluated: 2026-07-01. Review status: criteria provided, single submitter. Criteria: CeGaT Center For Human Genetics Tuebingen Variant Classification Criteria Version 2. Collection method: clinical testing. Allele origin: germline. Affected: yes. Observed: 2 variant alleles.
Comment: HERC2: BP4, BP7